The following is an entry in ClinVar:

ClinVar aggregate classification (germline): Conflicting classifications of pathogenicity. Review status: criteria provided, conflicting classifications (1 of 4 stars). 4 submissions from 4 submitters: Pathogenic (1); Likely pathogenic (2); Uncertain significance (1). Last evaluated 2025-08-16.

Conditions:
ABCA4-related disorder. Also called: ABCA4-related disorders; ABCA4-related condition. Identifiers: MedGen CN239167.

Submissions (4):

Labcorp Genetics (formerly Invitae), Labcorp
Classification: Likely pathogenic. Last evaluated: 2025-08-16. Review status: criteria provided, single submitter. Criteria: Invitae Variant Classification Sherloc (09022015). Collection method: clinical testing. Allele origin: germline.
Comment: This sequence change replaces proline, which is neutral and non-polar, with arginine, which is basic and polar, at codon 1761 of the ABCA4 protein (p.Pro1761Arg). This variant is not present in population databases (gnomAD no frequency). This missense change has been observed in individual(s) with Stargardt disease (PMID: 30060493). ClinVar contains an entry for this variant (Variation ID: 377405). Invitae Evidence Modeling of protein sequence and biophysical properties (such as structural, functional, and spatial information, amino acid conservation, physicochemical variation, residue mobility, and thermodynamic stability) indicates that this missense variant is expected to disrupt ABCA4 protein function with a positive predictive value of 95%. In summary, the currently available evidence indicates that the variant is pathogenic, but additional data are needed to prove that conclusively. Therefore, this variant has been classified as Likely Pathogenic.

Women's Health and Genetics/Laboratory Corporation of America, LabCorp
Classification: Uncertain significance. Last evaluated: 2025-01-29. Review status: criteria provided, single submitter. Criteria: LabCorp Variant Classification Summary - May 2015. Collection method: clinical testing. Allele origin: germline.
Comment: Variant summary: ABCA4 c.5282C>G (p.Pro1761Arg) results in a non-conservative amino acid change in the encoded protein sequence. Five of five in-silico tools predict a damaging effect of the variant on protein function. The variant was absent in 251264 control chromosomes. The available data on variant occurrences in the general population are insufficient to allow any conclusion about variant significance. c.5282C>G has been reported in the literature in individuals affected with Stargardt Disease, however in most cases it has been found as a complex allele in cis with c.6316C>T (p.Arg2106Cys), a pathogenic variant; although in at least one affected individual it has been reported in the compound heterozygous state without p.Arg2106Cys (Salles_2017, Nassisi_2018, Cornelis_2022). These reports do not provide unequivocal conclusions about association of the variant with Stargardt Disease when the variant is in isolation. To our knowledge, no experimental evidence demonstrating an impact on protein function has been reported. The following publications have been ascertained in the context of this evaluation (PMID: 29114839, 35120629, 30060493). ClinVar contains an entry for this variant (Variation ID: 377405). Based on the evidence outlined above, the variant was classified as uncertain significance.

Blueprint Genetics
Classification: Pathogenic for ABCA4-related disorders. Last evaluated: 2018-10-12. Review status: criteria provided, single submitter. Criteria: ACMG Guidelines, 2015. Collection method: clinical testing. Allele origin: germline. Affected: yes. Observed: 1 variant allele.

GeneDx
Classification: Likely pathogenic. Last evaluated: 2015-05-26. Review status: criteria provided, single submitter. Criteria: GeneDx Variant Classification (06012015). Collection method: clinical testing. Allele origin: germline. Affected: yes.
Comment: A novel P1761R variant that is likely pathogenic was identified. It has not been published as a pathogenic variant, nor has it been reported as a benign polymorphism to our knowledge. The P1761R variant was not observed in approximately 6,500 individuals of European and African American ancestry in the NHLBI Exome Sequencing Project, indicating it is not a common benign variant in these populations. The P1761R variant is a non-conservative amino acid substitution, which is likely to impact secondary protein structure as these residues differ in polarity, charge, size and/or other properties. This substitution occurs at a position that is conserved across species. In silico analysis predicts this variant is probably damaging to the protein structure/function. Missense variants in nearby residues (Y1754D, A1762G, L1763P, L1767P, A1773V, A1773E) have been reported in the Human Gene Mutation Database in association with ABCA4-related disorders (Stenson et al., 2014), supporting the functional importance of this region of the protein. Therefore, this variant is a strong candidate for a pathogenic variant, however the possibility that it is a benign variant cannot be excluded.

Literature cited by the submitters: PubMed 30060493 (cited by Labcorp Genetics (formerly Invitae), Labcorp and Women's Health and Genetics/Laboratory Corporation of America, LabCorp); PubMed 35120629 (cited by Women's Health and Genetics/Laboratory Corporation of America, LabCorp); PubMed 29114839 (cited by Women's Health and Genetics/Laboratory Corporation of America, LabCorp).

NM_000350.3(ABCA4):c.5282C>G (p.Pro1761Arg)

Gene: ABCA4 (ATP binding cassette subfamily A member 4; minus strand). Cytogenetic location: 1p22.1.
Variant type: single nucleotide variant.
Coding change: c.5282C>G on transcript NM_000350.3 (MANE Select); coding-DNA position 5282, C replaced by G.
Protein change: p.Pro1761Arg; replaces proline 1761 with arginine.
Molecular consequence: missense variant.
Genome position (GRCh38, 1-based): chr1:94,015,769, G>C on the plus strand (C>G on the coding strand, the complement: ABCA4 is on the minus strand). VCF-style: chr1-94015769-G-C. GRCh37 (hg19) VCF-style: chr1-94481325-G-C.
Other names: c.5060C>G, p.Pro1687Arg (NM_001425324.1); short protein forms P1761R, P1687R.
Identifiers: ClinVar variation 377405 (VCV000377405.7), dbSNP rs1057520212, ClinGen allele CA16603704.